The following is an entry in ClinVar:

NM_020905.4(RDH14):c.114dup (p.Gly39fs)

Genes: NT5C1B-RDH14 (NT5C1B-RDH14 readthrough; minus strand), RDH14 (retinol dehydrogenase 14; minus strand), LOC129933177 (ATAC-STARR-seq lymphoblastoid silent region 11196; plus strand). Cytogenetic location: 2p24.2.
Variant type: Duplication.
Coding change: c.114dup on transcript NM_020905.4 (MANE Select); coding-DNA position 114, one base duplicated (C; older notation c.114dupC).
Protein change: p.Gly39fs; shifts the reading frame from glycine 39.
Molecular consequence: frameshift variant. On other transcripts: intron variant (2).
Genome position (GRCh38, 1-based): chr2:18,560,459, G duplicated on the plus strand (C on the coding strand, the reverse complement: RDH14 is on the minus strand); the first of 4 consecutive G bases (chr2:18,560,459-18,560,462); duplicating any one gives the same sequence. VCF-style (leftmost placement, unchanged base first): chr2-18560458-C-CG. GRCh37 (hg19) VCF-style: chr2-18741724-C-CG.
Other names: c.1336-4651dup (NM_001199103.2); c.1784+3386dup (NM_001199104.2); short protein forms G39fs.
Identifiers: ClinVar variation 827760 (VCV000827760.3), dbSNP rs779464218, ClinGen allele CA1541631.

ClinVar aggregate classification (germline): Likely pathogenic (0 of 4 stars; one submission).

Conditions:
Cerebellar atrophy. Identifiers: MedGen C0740279, HP:0001272.
Intellectual disability. Also called: Intellectual functioning disability; Intellectual developmental disorder; intellectual disabilities. Identifiers: MedGen C3714756, MeSH D008607, MONDO:0001071, HP:0001249.

Submission:

Molecular Neuropsychiatry & Development Lab, Centre for Addiction and Mental Health
Classification: Likely pathogenic for Intellectual disability; Cerebellar atrophy. Last evaluated: 2020-03-03. Review status: no assertion criteria provided. Collection method: research. Allele origin: inherited. Inheritance: Autosomal recessive inheritance. Affected: yes.
Comment: The NM_020905.3:c.114dup/ Gly39Argfs*97 biallelic variant in RDH14 is reported segregating in two affected members of a single large family from Pakistan (Pastore et al, submitted). The variant is predicted to lead to premature truncation of the protein with loss of function, along with nonsense-mediated mRNA decay. No corroborative evidence from other families, or from animal models is available as yet, and thus there remain reservations as to the pathogenicity.